The following is an entry in ClinVar:

ClinVar aggregate classification (germline): Uncertain significance. Review status: criteria provided, multiple submitters, no conflicts (2 of 4 stars). 2 submissions from 2 submitters: Uncertain significance (2). Last evaluated 2025-06-22.

Conditions:
Inborn genetic diseases. Identifiers: MedGen C0950123, MeSH D030342.

Allele frequency attached by ClinVar (database versions not stated): gnomAD 0.00001; ExAC 0.00002; gnomAD exomes 0.00002; 1000 Genomes Project 0.00020; 1000 Genomes Project 30x 0.00031.
gnomAD v4.1: 17 of 1,613,454 alleles (0.0011%); highest among the groups gnomAD compares: Admixed American, 0.0083%; no homozygotes.

Submissions (2):

Ambry Genetics
Classification: Uncertain significance for Inborn genetic diseases. Last evaluated: 2025-06-22. Review status: criteria provided, single submitter. Criteria: Ambry Variant Classification Scheme 2023. Collection method: clinical testing. Allele origin: germline.

Labcorp Genetics (formerly Invitae), Labcorp
Classification: Uncertain significance. Last evaluated: 2024-10-17. Review status: criteria provided, single submitter. Criteria: Invitae Variant Classification Sherloc (09022015). Collection method: clinical testing. Allele origin: germline.
Comment: This sequence change replaces valine, which is neutral and non-polar, with isoleucine, which is neutral and non-polar, at codon 64 of the COL18A1 protein (p.Val64Ile). This variant is present in population databases (rs532978021, gnomAD 0.007%). This variant has not been reported in the literature in individuals affected with COL18A1-related conditions. ClinVar contains an entry for this variant (Variation ID: 1437359). Experimental studies and prediction algorithms are not available or were not evaluated, and the functional significance of this variant is currently unknown. In summary, the available evidence is currently insufficient to determine the role of this variant in disease. Therefore, it has been classified as a Variant of Uncertain Significance.

NM_001379500.1(COL18A1):c.190G>A (p.Val64Ile)

Gene: COL18A1 (collagen type XVIII alpha 1 chain; plus strand). Cytogenetic location: 21q22.3.
Variant type: single nucleotide variant.
Coding change: c.190G>A on transcript NM_001379500.1 (MANE Select); coding-DNA position 190, G replaced by A.
Protein change: p.Val64Ile; replaces valine 64 with isoleucine.
Molecular consequence: missense variant.
Genome position (GRCh38, 1-based): chr21:45,468,325, G>A. VCF-style: chr21-45468325-G-A. GRCh37 (hg19) VCF-style: chr21-46888239-G-A.
Other names: NM_130445.2:c.190G>A; c.730G>A, p.Val244Ile (NM_030582.4); c.1435G>A, p.Val479Ile (NM_130444.3); short protein forms V64I, V244I, V479I.
Identifiers: ClinVar variation 1437359 (VCV001437359.5), dbSNP rs532978021, ClinGen allele CA10065694.